The following is an entry in ClinVar:

NC_012920.1(MT-ND3):m.10161A>T

Gene: MT-ND3 (mitochondrially encoded NADH dehydrogenase 3; plus strand).
Variant type: single nucleotide variant.
Genome position: chrM-10161-A-T.
Identifiers: ClinVar variation 1701720 (VCV001701720.1), dbSNP rs1556423771, ClinGen allele CA414804406.

ClinVar aggregate classification (germline): Uncertain significance (1 of 4 stars; one submission).

Conditions:
Mitochondrial disease. Also called: Mitochondrial disorder; Mitochondrial disorders. Identifiers: Orphanet 68380, MedGen C0751651, MeSH D028361, MONDO:0044970.

Submission:

New York Genome Center
Classification: Uncertain significance for Mitochondrial disease. Last evaluated: 2022-02-15. Review status: criteria provided, single submitter. Criteria: NYGC Assertion Criteria 2020. Collection method: clinical testing. Allele origin: inherited. Observed: 1 variant allele. Study: CSER-NYCKidSeq.
Comment: The m.10161A>T variant in the mitochondrial genome has not previously been reported in the literature nor public variant repositories (ClinVar and LOVD). It has been observed in one individual at 63% heteroplasmy level in gnomAD v3.1.2 dataset while it is absent in MitoMap database, suggesting it is not a common benign variant in the populations represented in those databases. The m.10161A>T variant is located in MT-ND3, and is predicted to replace a threonine amino acid with serine at codon 35 (p.(Thr35Ser)). The affected residue (p.Thr35) is not evolutionarily conserved, and in silico predictions are not in favor of damaging effect (APOGEE score = 0.3); however, there are no functional studies to support or refute these predictions. A nearby m.10158T>C p.(Ser34Pro) variant has been curated as pathogenic for primary mitochondrial disease including Leigh syndrome by ClinGen Mitochondrial Disease Nuclear and Mitochondrial Variant Curation Expert Panel (ClinVar ID: 9714). Based on available evidence this maternally inherited mitochondrial m.10161A>T p.(Thr35Ser) variant identified in MT-ND3 is classified as a Variant of Uncertain Significance.